The following is an entry in ClinVar:

ClinVar aggregate classification (germline): Benign (0 of 4 stars; one submission).

Conditions:
ACOT7-related disorder. Also called: ACOT7-related condition.

Allele frequency attached by ClinVar (database versions not stated): ExAC 0.01247; 1000 Genomes Project 0.01977; 1000 Genomes Project 30x 0.02030; gnomAD 0.02312; ESP Exome Variant Server 0.02407.
gnomAD v4.1: 16,823 of 1,613,148 alleles (1%); highest among the groups gnomAD compares: African/African-American, 6.1%; 234 homozygotes.

Submission:

PreventionGenetics, part of Exact Sciences
Classification: Benign for ACOT7-related condition. Last evaluated: 2019-07-12. Review status: no assertion criteria provided. Collection method: clinical testing. Allele origin: germline.
Comment: This variant is classified as benign based on ACMG/AMP sequence variant interpretation guidelines (Richards et al. 2015 PMID: 25741868, with internal and published modifications).

NM_007274.4(ACOT7):c.1023C>T (p.Thr341=)

Gene: ACOT7 (acyl-CoA thioesterase 7; minus strand). Cytogenetic location: 1p36.31.
Variant type: single nucleotide variant.
Coding change: c.1023C>T on transcript NM_007274.4 (MANE Select); coding-DNA position 1023, C replaced by T.
Protein change: p.Thr341=; no amino-acid change (threonine 341 retained).
Molecular consequence: synonymous variant.
Genome position (GRCh38, 1-based): chr1:6,264,687, G>A on the plus strand (C>T on the coding strand, the complement: ACOT7 is on the minus strand). VCF-style: chr1-6264687-G-A. GRCh37 (hg19) VCF-style: chr1-6324747-G-A.
Other names: c.1053C>T, p.Thr351= (NM_181864.3); c.963C>T, p.Thr321= (NM_181865.3); c.900C>T, p.Thr300= (NM_181866.3).
Identifiers: ClinVar variation 3055694 (VCV003055694.2), dbSNP rs61739537, ClinGen allele CA559177.
Genomic context (GRCh38, chr1:6,264,687, plus strand): 5'-CTTCGCCTTCATCTGCAGGTACCGCCCTTTGCCTTCCTCAAAGCGCTTCTTCTCGTCCTC[G>A]GTCTCGGGCTGTGGACCACACACAGAGACAGGCAGGTTAGGGTCACTGCAGAACCAGTGC-3'
Protein context (NP_009205.3, residues 331-351): SLPVPQLVPE[Thr341=]EDEKKRFEEG